The following is an entry in ClinVar:

NM_000382.3(ALDH3A2):c.908del (p.Gly303fs)

Gene: ALDH3A2 (aldehyde dehydrogenase 3 family member A2; plus strand). Cytogenetic location: 17p11.2.
Variant type: Deletion.
Coding change: c.908del on transcript NM_000382.3 (MANE Select); coding-DNA position 908, one base deleted (G; older notation c.908delG).
Protein change: p.Gly303fs; shifts the reading frame from glycine 303.
Molecular consequence: frameshift variant.
Genome position (GRCh38, 1-based): chr17:19,661,236, G deleted; the last of 2 consecutive G bases (chr17:19,661,235-19,661,236); deleting either gives the same sequence. VCF-style (leftmost placement, unchanged base first): chr17-19661234-TG-T. GRCh37 (hg19) VCF-style: chr17-19564547-TG-T.
Other names: c.908del, p.Gly303fs (NM_001031806.2, NM_001369136.1, NM_001369137.2 and 3 more transcripts); c.329del, p.Gly110fs (NM_001369148.2); short protein forms G303fs, G110fs.
Identifiers: ClinVar variation 5005719 (VCV005005719.2).

ClinVar aggregate classification (germline): Likely pathogenic (1 of 4 stars; one submission).

Conditions:
Sjögren-Larsson syndrome (SLS). Also called: FALDH DEFICIENCY; FATTY ALCOHOL:NAD+ OXIDOREDUCTASE DEFICIENCY; FATTY ALDEHYDE DEHYDROGENASE DEFICIENCY; ICHTHYOSIS, SPASTIC NEUROLOGIC DISORDER, AND OLIGOPHRENIA. Identifiers: Orphanet 816, MedGen C0037231, MONDO:0010031, OMIM 270200.

Submission:

Juno Genomics, Hangzhou Juno Genomics, Inc
Classification: Likely pathogenic for Sjögren-Larsson syndrome. Review status: criteria provided, single submitter. Criteria: ACMG Guidelines, 2015. Collection method: clinical testing. Allele origin: germline.
Comment: Null variant in a gene where loss of function (LOF) is a known mechanism of disease.;Absent from controls (or at extremely low frequency if recessive) in Genome Aggregation Database.